The following is an entry in ClinVar:

NM_000083.3(CLCN1):c.698G>T (p.Gly233Val)

Gene: CLCN1 (chloride voltage-gated channel 1; plus strand). Cytogenetic location: 7q34.
Variant type: single nucleotide variant.
Coding change: c.698G>T on transcript NM_000083.3 (MANE Select); coding-DNA position 698, G replaced by T.
Protein change: p.Gly233Val; replaces glycine 233 with valine.
Molecular consequence: missense variant. On other transcripts: non-coding transcript variant (1).
Genome position (GRCh38, 1-based): chr7:143,323,310, G>T. VCF-style: chr7-143323310-G-T. GRCh37 (hg19) VCF-style: chr7-143020403-G-T.
Other names: short protein forms G233V.
Identifiers: ClinVar variation 3759126 (VCV003759126.2).

ClinVar aggregate classification (germline): Uncertain significance (1 of 4 stars; one submission).

Conditions:
Congenital myotonia, autosomal dominant form (THD). Also called: THOMSEN DISEASE; Myotonia congenita autosomal dominant. Identifiers: Orphanet 614, MedGen C2936781, MONDO:0008055, OMIM 160800.
Congenital myotonia, autosomal recessive form. Also called: Becker Generalized Myotonia; myotonia congenita, autosomal recessive; BECKER DISEASE. Identifiers: Orphanet 614, MedGen C0751360, MONDO:0009715, OMIM 255700.

Submission:

Labcorp Genetics (formerly Invitae), Labcorp
Classification: Uncertain significance for Congenital myotonia, autosomal recessive form; Congenital myotonia, autosomal dominant form. Last evaluated: 2024-06-20. Review status: criteria provided, single submitter. Criteria: Invitae Variant Classification Sherloc (09022015). Collection method: clinical testing. Allele origin: germline.
Comment: This sequence change replaces glycine, which is neutral and non-polar, with valine, which is neutral and non-polar, at codon 233 of the CLCN1 protein (p.Gly233Val). This variant is not present in population databases (gnomAD no frequency). This missense change has been observed in individual(s) with clinical features of CLCN1-related conditions (PMID: 22094069). In at least one individual the data is consistent with being in trans (on the opposite chromosome) from a pathogenic variant. An algorithm developed to predict the effect of missense changes on protein structure and function (PolyPhen-2) suggests that this variant is likely to be disruptive. This variant disrupts the p.Gly233 amino acid residue in CLCN1. Other variant(s) that disrupt this residue have been determined to be pathogenic (PMID: 23113340, 34529042). This suggests that this residue is clinically significant, and that variants that disrupt this residue are likely to be disease-causing. In summary, the available evidence is currently insufficient to determine the role of this variant in disease. Therefore, it has been classified as a Variant of Uncertain Significance.

Literature cited by the submitters: PubMed 22094069; PubMed 23113340; PubMed 34529042.